The following is an entry in ClinVar:

ClinVar aggregate classification (germline): Uncertain significance (1 of 4 stars; one submission).

Allele frequency attached by ClinVar (database versions not stated): TOPMed below 0.00001; gnomAD 0.00001.
gnomAD v4.1: 19 of 1,610,774 alleles (0.0012%); highest among the groups gnomAD compares: South Asian, 0.0022%; no homozygotes.

Submission:

Labcorp Genetics (formerly Invitae), Labcorp
Classification: Uncertain significance. Last evaluated: 2021-08-28. Review status: criteria provided, single submitter. Criteria: Invitae Variant Classification Sherloc (09022015). Collection method: clinical testing. Allele origin: germline.
Comment: This sequence change replaces arginine with cysteine at codon 494 of the MYSM1 protein (p.Arg494Cys). The arginine residue is highly conserved and there is a large physicochemical difference between arginine and cysteine. This variant is present in population databases (rs763360736, ExAC 0.006%). This variant has not been reported in the literature in individuals affected with MYSM1-related conditions. Algorithms developed to predict the effect of missense changes on protein structure and function (SIFT, PolyPhen-2, Align-GVGD) all suggest that this variant is likely to be disruptive. In summary, the available evidence is currently insufficient to determine the role of this variant in disease. Therefore, it has been classified as a Variant of Uncertain Significance.

NM_001085487.3(MYSM1):c.1480C>T (p.Arg494Cys)

Gene: MYSM1 (Myb like, SWIRM and MPN domains 1; minus strand). Cytogenetic location: 1p32.1.
Variant type: single nucleotide variant.
Coding change: c.1480C>T on transcript NM_001085487.3 (MANE Select); coding-DNA position 1480, C replaced by T.
Protein change: p.Arg494Cys; replaces arginine 494 with cysteine.
Molecular consequence: missense variant.
Genome position (GRCh38, 1-based): chr1:58,675,491, G>A on the plus strand (C>T on the coding strand, the complement: MYSM1 is on the minus strand). VCF-style: chr1-58675491-G-A. GRCh37 (hg19) VCF-style: chr1-59141163-G-A.
Other names: short protein forms R494C.
Identifiers: ClinVar variation 1418066 (VCV001418066.5), dbSNP rs763360736, ClinGen allele CA877807.